The following is an entry in ClinVar:

ClinVar aggregate classification (germline): Uncertain significance. Review status: criteria provided, multiple submitters, no conflicts (2 of 4 stars). 3 submissions from 3 submitters: Uncertain significance (2). 1 of the submissions does not count toward it. Last evaluated 2023-11-27.

Conditions:
DNAH1-related disorder. Also called: DNAH1-related condition.
Spermatogenic failure 18. Identifiers: MedGen C4539783, MONDO:0054615, OMIM 617576.
Ciliary dyskinesia, primary, 37 (CILD37). Also called: CILIARY DYSKINESIA, PRIMARY, 37, WITH OR WITHOUT SITUS INVERSUS. Identifiers: MedGen C4539798, MONDO:0033204, OMIM 617577.

Allele frequency attached by ClinVar (database versions not stated): TOPMed 0.00004.
gnomAD v4.1: 159 of 1,611,934 alleles (0.0099%); highest among the groups gnomAD compares: South Asian, 0.14%; 1 homozygote.

Submissions (3):

Labcorp Genetics (formerly Invitae), Labcorp
Classification: Uncertain significance for Ciliary dyskinesia, primary, 37; Spermatogenic failure 18. Last evaluated: 2023-11-27. Review status: criteria provided, single submitter. Criteria: Invitae Variant Classification Sherloc (09022015). Collection method: clinical testing. Allele origin: germline.
Comment: This sequence change replaces proline, which is neutral and non-polar, with leucine, which is neutral and non-polar, at codon 2346 of the DNAH1 protein (p.Pro2346Leu). This variant is present in population databases (rs759122445, gnomAD 0.1%). This variant has not been reported in the literature in individuals affected with DNAH1-related conditions. ClinVar contains an entry for this variant (Variation ID: 2080432). Advanced modeling of protein sequence and biophysical properties (such as structural, functional, and spatial information, amino acid conservation, physicochemical variation, residue mobility, and thermodynamic stability) performed at Invitae indicates that this missense variant is not expected to disrupt DNAH1 protein function with a negative predictive value of 80%. In summary, the available evidence is currently insufficient to determine the role of this variant in disease. Therefore, it has been classified as a Variant of Uncertain Significance.

Ambry Genetics
Classification: Uncertain significance. Last evaluated: 2021-08-12. Review status: criteria provided, single submitter. Criteria: Ambry Variant Classification Scheme 2023. Collection method: clinical testing. Allele origin: germline.

PreventionGenetics, part of Exact Sciences
Classification: Uncertain significance for DNAH1-related condition. Last evaluated: 2024-08-05. Review status: no assertion criteria provided. Collection method: clinical testing. Allele origin: germline. Not counted in ClinVar's aggregate classification.
Comment: The DNAH1 c.7037C>T variant is predicted to result in the amino acid substitution p.Pro2346Leu. To our knowledge, this variant has not been reported in the literature. This variant is reported in 0.13% of alleles in individuals of South Asian descent in gnomAD. Although we suspect that this variant may be benign, at this time, the clinical significance of this variant is uncertain due to the absence of conclusive functional and genetic evidence.

NM_015512.5(DNAH1):c.7037C>T (p.Pro2346Leu)

Gene: DNAH1 (dynein axonemal heavy chain 1; plus strand). Cytogenetic location: 3p21.1.
Variant type: single nucleotide variant.
Coding change: c.7037C>T on transcript NM_015512.5 (MANE Select); coding-DNA position 7037, C replaced by T.
Protein change: p.Pro2346Leu; replaces proline 2346 with leucine.
Molecular consequence: missense variant.
Genome position (GRCh38, 1-based): chr3:52,375,291, C>T. VCF-style: chr3-52375291-C-T. GRCh37 (hg19) VCF-style: chr3-52409307-C-T.
Other names: short protein forms P2346L.
Identifiers: ClinVar variation 2080432 (VCV002080432.6), dbSNP rs759122445, ClinGen allele CA2434734.